The following is an entry in ClinVar:

NM_001378454.1(ALMS1):c.145G>A (p.Glu49Lys)

Gene: ALMS1 (ALMS1 centrosome and basal body associated protein; plus strand). Cytogenetic location: 2p13.1.
Variant type: single nucleotide variant.
Coding change: c.145G>A on transcript NM_001378454.1 (MANE Select); coding-DNA position 145, G replaced by A.
Protein change: p.Glu49Lys; replaces glutamic acid 49 with lysine.
Molecular consequence: missense variant.
Genome position (GRCh38, 1-based): chr2:73,386,013, G>A. VCF-style: chr2-73386013-G-A. GRCh37 (hg19) VCF-style: chr2-73613141-G-A.
Other names: c.148G>A, p.Glu50Lys (NM_015120.4); short protein forms E50K, E49K.
Identifiers: ClinVar variation 1406800 (VCV001406800.4), dbSNP rs1476182899, ClinGen allele CA347250699.

ClinVar aggregate classification (germline): Uncertain significance. Review status: criteria provided, single submitter (1 of 4 stars). 2 submissions from 2 submitters: Uncertain significance (1). 1 of the submissions does not count toward it. Last evaluated 2021-08-08.

Conditions:
Alstrom syndrome (ALMS). Identifiers: Orphanet 64, MedGen C0268425, MONDO:0008763, OMIM 203800.

Allele frequency attached by ClinVar (database versions not stated): gnomAD exomes 0.00001 and 0.00003.
gnomAD v4.1: 36 of 1,558,370 alleles (0.0023%); highest among the groups gnomAD compares: Non-Finnish European, 0.0031%; no homozygotes.

Submissions (2):

Labcorp Genetics (formerly Invitae), Labcorp
Classification: Uncertain significance for Alstrom syndrome. Last evaluated: 2021-08-08. Review status: criteria provided, single submitter. Criteria: Invitae Variant Classification Sherloc (09022015). Collection method: clinical testing. Allele origin: germline.
Comment: This sequence change replaces glutamic acid with lysine at codon 50 of the ALMS1 protein (p.Glu50Lys). The glutamic acid residue is weakly conserved and there is a small physicochemical difference between glutamic acid and lysine. This variant is not present in population databases (ExAC no frequency). This variant has not been reported in the literature in individuals affected with ALMS1-related conditions. Experimental studies and prediction algorithms are not available or were not evaluated, and the functional significance of this variant is currently unknown. In summary, the available evidence is currently insufficient to determine the role of this variant in disease. Therefore, it has been classified as a Variant of Uncertain Significance.

Natera, Inc.
Classification: Uncertain significance for Alstrom syndrome. Last evaluated: 2025-05-08. Review status: no assertion criteria provided. Collection method: clinical testing. Allele origin: germline. Not counted in ClinVar's aggregate classification.